The following is an entry in ClinVar:

NM_004006.3(DMD):c.8942T>C (p.Leu2981Pro)

Gene: DMD (dystrophin; minus strand). Cytogenetic location: Xp21.2.
Variant type: single nucleotide variant.
Coding change: c.8942T>C on transcript NM_004006.3 (MANE Select); coding-DNA position 8942, T replaced by C.
Protein change: p.Leu2981Pro; replaces leucine 2981 with proline.
Molecular consequence: missense variant.
Genome position (GRCh38, 1-based): chrX:31,444,623, A>G on the plus strand (T>C on the coding strand, the complement: DMD is on the minus strand). VCF-style: chrX-31444623-A-G. GRCh37 (hg19) VCF-style: chrX-31462740-A-G.
Other names: c.8918T>C, p.Leu2973Pro (NM_000109.4); c.8930T>C, p.Leu2977Pro (NM_004009.3); c.8573T>C, p.Leu2858Pro (NM_004010.3); c.4919T>C, p.Leu1640Pro (NM_004011.4); c.4910T>C, p.Leu1637Pro (NM_004012.4); c.1562T>C, p.Leu521Pro (NM_004013.3, NM_004020.4, NM_004021.3 and 2 more transcripts); c.755T>C, p.Leu252Pro (NM_004014.3); short protein forms L2981P, L252P, L2973P, L521P, L1640P, L1637P, L2858P, L2977P.
Identifiers: ClinVar variation 569144 (VCV000569144.8), dbSNP rs1569542830, ClinGen allele CA412655326.
Genomic context (GRCh38, chrX:31,444,623, plus strand): 5'-TGGCGAGCAAGGTCATTGACGTGGCTCACGTTCTCTTTCAGAGGCGCAATTTCTCCTCGA[A>G]GTGCCTGTGTGCAATAGTCAAAAGCAAATTGGAAGATGAGAATATTTAAAACAAGAAGAA-3'
Protein context (NP_003997.2, residues 2971-2991): LQDHLEKVKA[Leu2981Pro]RGEIAPLKEN

ClinVar aggregate classification (germline): Uncertain significance. Review status: criteria provided, multiple submitters, no conflicts (2 of 4 stars). 5 submissions from 5 submitters: Uncertain significance (3). 2 of the submissions do not count toward it. Last evaluated 2025-10-27.

Conditions:
DMD-related disorder. Also called: DMD-related condition.
Cardiovascular phenotype. Identifiers: MedGen CN230736.
Dystrophin deficiency.
Cardiomyopathy (CMYO). Also called: Cardiomyopathies. Identifiers: Orphanet 167848, MedGen C0878544, MONDO:0004994, HP:0001638. Inheritance: Various modes of inheritance.
Becker muscular dystrophy (BMD). Also called: Becker Muscular Dystrophy (BMD); MUSCULAR DYSTROPHY, PSEUDOHYPERTROPHIC PROGRESSIVE, BECKER TYPE. Identifiers: Orphanet 98895, MedGen C0917713, MONDO:0010311, OMIM 300376.
Duchenne muscular dystrophy (DMD). Also called: Duchenne Muscular Dystrophy (DMD); MUSCULAR DYSTROPHY, PSEUDOHYPERTROPHIC PROGRESSIVE, DUCHENNE TYPE. Identifiers: Orphanet 98896, MedGen C0013264, MONDO:0010679, OMIM 310200.

Submissions (5):

Labcorp Genetics (formerly Invitae), Labcorp
Classification: Uncertain significance for Duchenne muscular dystrophy. Last evaluated: 2025-10-27. Review status: criteria provided, single submitter. Criteria: Invitae Variant Classification Sherloc (09022015). Collection method: clinical testing. Allele origin: germline.
Comment: This sequence change replaces leucine, which is neutral and non-polar, with proline, which is neutral and non-polar, at codon 2981 of the DMD protein (p.Leu2981Pro). This variant is not present in population databases (gnomAD no frequency). This variant has not been reported in the literature in individuals affected with DMD-related conditions. ClinVar contains an entry for this variant (Variation ID: 569144). Invitae Evidence Modeling of protein sequence and biophysical properties (such as structural, functional, and spatial information, amino acid conservation, physicochemical variation, residue mobility, and thermodynamic stability) indicates that this missense variant is not expected to disrupt DMD protein function with a negative predictive value of 95%. In summary, the available evidence is currently insufficient to determine the role of this variant in disease. Therefore, it has been classified as a Variant of Uncertain Significance.

Molecular Diagnostic Laboratory for Inherited Cardiovascular Disease, Montreal Heart Institute
Classification: Uncertain significance for Cardiovascular phenotype. Last evaluated: 2025-04-09. Review status: criteria provided, single submitter. Criteria: ACMG Guidelines, 2015. Collection method: clinical testing. Allele origin: germline. Affected: yes.

Ambry Genetics
Classification: Uncertain significance for Cardiovascular phenotype. Last evaluated: 2024-09-20. Review status: criteria provided, single submitter. Criteria: Ambry Variant Classification Scheme 2023. Collection method: clinical testing. Allele origin: germline.
Comment: The p.L2981P variant (also known as c.8942T>C), located in coding exon 60 of the DMD gene, results from a T to C substitution at nucleotide position 8942. The leucine at codon 2981 is replaced by proline, an amino acid with similar properties. This amino acid position is well conserved in available vertebrate species. In addition, the in silico prediction for this alteration is inconclusive. Based on the available evidence, the clinical significance of this variant remains unclear.

PreventionGenetics, part of Exact Sciences
Classification: Uncertain significance for DMD-related condition. Last evaluated: 2024-04-29. Review status: no assertion criteria provided. Collection method: clinical testing. Allele origin: germline. Not counted in ClinVar's aggregate classification.
Comment: The DMD c.8942T>C variant is predicted to result in the amino acid substitution p.Leu2981Pro. To our knowledge, this variant has not been reported in the literature or in a large population database, indicating this variant is rare. At this time, the clinical significance of this variant is uncertain due to the absence of conclusive functional and genetic evidence.

Natera, Inc.
Classification: Uncertain significance for Becker muscular dystrophy; Cardiomyopathy; Duchenne muscular dystrophy; Dystrophin deficiency. Last evaluated: 2020-05-18. Review status: no assertion criteria provided. Collection method: clinical testing. Allele origin: germline. Not counted in ClinVar's aggregate classification.